The following is an entry in ClinVar:

NM_001852.4(COL9A2):c.902G>A (p.Gly301Asp)

Gene: COL9A2 (collagen type IX alpha 2 chain; minus strand). Cytogenetic location: 1p34.2.
Variant type: single nucleotide variant.
Coding change: c.902G>A on transcript NM_001852.4 (MANE Select); coding-DNA position 902, G replaced by A.
Protein change: p.Gly301Asp; replaces glycine 301 with aspartic acid.
Molecular consequence: missense variant.
Genome position (GRCh38, 1-based): chr1:40,307,755, C>T on the plus strand (G>A on the coding strand, the complement: COL9A2 is on the minus strand). VCF-style: chr1-40307755-C-T. GRCh37 (hg19) VCF-style: chr1-40773427-C-T.
Other names: short protein forms G301D.
Identifiers: ClinVar variation 1312297 (VCV001312297.10), dbSNP rs372191928, ClinGen allele CA791675.

ClinVar aggregate classification (germline): Uncertain significance. Review status: criteria provided, multiple submitters, no conflicts (2 of 4 stars). 3 submissions from 3 submitters: Uncertain significance (3). Last evaluated 2025-05-07.

Allele frequency attached by ClinVar (database versions not stated): ExAC 0.00002; 1000 Genomes Project 30x 0.00016; 1000 Genomes Project 0.00020.
gnomAD v4.1: 12 of 1,614,072 alleles (0.00074%); highest among the groups gnomAD compares: South Asian, 0.0077%; no homozygotes.

Submissions (3):

Labcorp Genetics (formerly Invitae), Labcorp
Classification: Uncertain significance. Last evaluated: 2025-05-07. Review status: criteria provided, single submitter. Criteria: Invitae Variant Classification Sherloc (09022015). Collection method: clinical testing. Allele origin: germline.
Comment: This sequence change replaces glycine, which is neutral and non-polar, with aspartic acid, which is acidic and polar, at codon 301 of the COL9A2 protein (p.Gly301Asp). This variant is present in population databases (rs372191928, gnomAD 0.006%). This variant has not been reported in the literature in individuals affected with COL9A2-related conditions. ClinVar contains an entry for this variant (Variation ID: 1312297). An algorithm developed to predict the effect of missense changes on protein structure and function (PolyPhen-2) suggests that this variant is likely to be disruptive. In summary, the available evidence is currently insufficient to determine the role of this variant in disease. Therefore, it has been classified as a Variant of Uncertain Significance.

GeneDx
Classification: Uncertain significance. Last evaluated: 2023-02-22. Review status: criteria provided, single submitter. Criteria: GeneDx Variant Classification Process June 2021. Collection method: clinical testing. Allele origin: germline. Affected: yes.
Comment: Has not been previously published as pathogenic or benign to our knowledge; In silico analysis supports that this missense variant has a deleterious effect on protein structure/function

Blueprint Genetics
Classification: Uncertain significance. Last evaluated: 2022-04-27. Review status: criteria provided, single submitter. Criteria: ACMG Guidelines, 2015. Collection method: clinical testing. Allele origin: germline.